The following is an entry in ClinVar:

NM_001267550.2(TTN):c.41793C>A (p.Tyr13931Ter)

Gene: TTN (titin; minus strand). Cytogenetic location: 2q31.2.
Variant type: single nucleotide variant.
Coding change: c.41793C>A on transcript NM_001267550.2 (MANE Select); coding-DNA position 41793, C replaced by A.
Protein change: p.Tyr13931Ter; replaces tyrosine 13931 with a stop codon.
Molecular consequence: nonsense.
Genome position (GRCh38, 1-based): chr2:178,635,531, G>T on the plus strand (C>A on the coding strand, the complement: TTN is on the minus strand). VCF-style: chr2-178635531-G-T. GRCh37 (hg19) VCF-style: chr2-179500258-G-T.
Other names: p.Y12290*:TAC>TAA; c.36870C>A, p.Tyr12290Ter (NM_001256850.1); c.14598C>A, p.Tyr4866Ter (NM_003319.4); c.34089C>A, p.Tyr11363Ter (NM_133378.4); c.14973C>A, p.Tyr4991Ter (NM_133432.3); c.15174C>A, p.Tyr5058Ter (NM_133437.4); short protein forms Y12290*, Y13931*, Y11363*, Y4866*, Y4991*, Y5058*.
Identifiers: ClinVar variation 202517 (VCV000202517.16), dbSNP rs794729380, ClinGen allele CA309488.

ClinVar aggregate classification (germline): Likely pathogenic. Review status: criteria provided, multiple submitters, no conflicts (2 of 4 stars). 4 submissions from 4 submitters: Likely pathogenic (4). Last evaluated 2025-12-12.

Conditions:
Cardiovascular phenotype. Identifiers: MedGen CN230736.
Dilated cardiomyopathy 1G (CMD1G). Identifiers: Orphanet 154, MedGen C1858763, MONDO:0011400, OMIM 604145.
Autosomal recessive limb-girdle muscular dystrophy type 2J (LGMDR10). Also called: MUSCULAR DYSTROPHY, LIMB-GIRDLE, AUTOSOMAL RECESSIVE 10; Limb-girdle muscular dystrophy, type 2J. Identifiers: Orphanet 140922, MedGen C1837342, MONDO:0012127, OMIM 608807.
Cardiomyopathy (CMYO). Also called: Cardiomyopathies. Identifiers: Orphanet 167848, MedGen C0878544, MONDO:0004994, HP:0001638. Inheritance: Various modes of inheritance.

Submissions (4):

GeneDx
Classification: Likely pathogenic. Last evaluated: 2025-12-12. Review status: criteria provided, single submitter. Criteria: GeneDx Variant Classification Process June 2021. Collection method: clinical testing. Allele origin: germline. Affected: yes.
Comment: Has not been previously published as pathogenic or benign to our knowledge; Not observed at significant frequency in large population cohorts (gnomAD); Located in a specific region of the I-band within TTN for which truncating variants are significantly associated with autosomal dominant cardiomyopathy and also with autosomal recessive skeletal myopathies (PMID: 27625338, 27869827, 32778822); This variant is associated with the following publications: (PMID: 27625338, 27869827, 32778822)

Women's Health and Genetics/Laboratory Corporation of America, LabCorp
Classification: Likely pathogenic for Cardiomyopathy. Last evaluated: 2025-01-17. Review status: criteria provided, single submitter. Criteria: LabCorp Variant Classification Summary - May 2015. Collection method: clinical testing. Allele origin: germline.
Comment: Variant summary: TTN c.34089C>A (p.Tyr11363X) results in a premature termination codon, predicted to cause a truncation of the encoded protein or absence of the protein due to nonsense mediated decay, which are commonly known mechanisms for disease. Loss of function variants in all TTN bands are strongly associated with a spectrum of autosomal recessive titinopathies when exon expression (proportion spliced in, PSI, 1=complete expression) in skeletal muscle is >0.1 (PMID: 36977548, 39198997, 29598826, 32778822, 29691892, 33449170, 36977548, internal data). In contrast, loss of function variants in all TTN bands are only strongly associated with autosomal dominant TTN-related cardiomyopathies if located in exons constitutively expressed (PSI >0.9) in cardiac muscle, excluding extreme C-terminal exons 359-363 (PMID: 25589632, 31216868, 32964742, 34662387, 27869827, Shetty et al., Nat Cardiovasc Res 2024,, internal data). This variant has a maximum skeletal muscle PSI of 0.971 and a maximum cardiac muscle PSI of 1. The variant was absent in 222036 control chromosomes (gnomAD). To our knowledge, no occurrence of c.34089C>A in individuals affected with TTN-related conditions and no experimental evidence demonstrating its impact on protein function have been reported. ClinVar contains an entry for this variant (Variation ID: 202517). Based on the evidence outline above, the variant has been classified as Likely Pathogenic for both autosomal dominant and autosomal recessive TTN-related conditions.

Labcorp Genetics (formerly Invitae), Labcorp
Classification: Likely pathogenic for Dilated cardiomyopathy 1G; Autosomal recessive limb-girdle muscular dystrophy type 2J. Last evaluated: 2024-11-26. Review status: criteria provided, single submitter. Criteria: Invitae Variant Classification Sherloc (09022015). Collection method: clinical testing. Allele origin: germline.
Comment: This sequence change creates a premature translational stop signal (p.Tyr13931*) in the TTN gene. While this is not anticipated to result in nonsense mediated decay, it is expected to create a truncated TTN protein. This variant is not present in population databases (gnomAD no frequency). This variant has not been observed in the literature in individuals with autosomal recessive TTN-related conditions. This variant has been reported in individual(s) with autosomal dominant dilated cardiomyopathy (internal data); however, the role of the variant in this condition is currently unclear. ClinVar contains an entry for this variant (Variation ID: 202517). This variant is located in the I band of TTN (PMID: 25589632). Truncating variants in this region have been reported in individuals affected with autosomal recessive centronuclear myopathy (PMID: 23975875, internal data). Truncating variants in this region have also been identified in individuals affected with autosomal dominant dilated cardiomyopathy and/or cardio-related conditions (PMID: 27869827, 32964742, internal data). In summary, the currently available evidence indicates that the variant is pathogenic, but additional data are needed to prove that conclusively. Therefore, this variant has been classified as Likely Pathogenic.

Ambry Genetics
Classification: Likely pathogenic for Cardiovascular phenotype. Last evaluated: 2024-04-25. Review status: criteria provided, single submitter. Criteria: Ambry Variant Classification Scheme 2023. Collection method: clinical testing. Allele origin: germline.
Comment: The p.Y4866* variant (also known as c.14598C>A), located in coding exon 54 of the TTN gene, results from a C to A substitution at nucleotide position 14598. This changes the amino acid from a tyrosine to a stop codon within coding exon 54. This exon is located in the I-band region of the N2-B isoform of the titin protein and is constitutively expressed in TTN transcripts (percent spliced in or PSI 100%). This alteration is expected to result in loss of function by premature protein truncation or nonsense-mediated mRNA decay. While truncating variants in TTN are present in 1-3% of the general population, truncating variants in the A-band are the most common cause of dilated cardiomyopathy (DCM) (Herman DS et al. N. Engl. J. Med., 2012 Feb;366:619-28; Roberts AM et al. Sci Transl Med, 2015 Jan;7:270ra6). TTN truncating variants encoded in constitutive exons (PSI >90%) have been found to be significantly associated with DCM regardless of their position in titin (Schafer S et al. Nat. Genet., 2017 01;49:46-53). This variant is considered to be rare based on population cohorts in the Genome Aggregation Database (gnomAD). Based on the majority of available evidence to date, this variant is likely to be pathogenic.

Literature cited by the submitters: PubMed 25589632 (cited by Labcorp Genetics (formerly Invitae), Labcorp); PubMed 23975875 (cited by Labcorp Genetics (formerly Invitae), Labcorp); PubMed 27869827 (cited by Labcorp Genetics (formerly Invitae), Labcorp); PubMed 32964742 (cited by Labcorp Genetics (formerly Invitae), Labcorp).